The following is an entry in ClinVar:

NM_000022.4(ADA):c.945G>A (p.Met315Ile)

Gene: ADA (adenosine deaminase; minus strand). Cytogenetic location: 20q13.12.
Variant type: single nucleotide variant.
Coding change: c.945G>A on transcript NM_000022.4 (MANE Select); coding-DNA position 945, G replaced by A.
Protein change: p.Met315Ile; replaces methionine 315 with isoleucine.
Molecular consequence: missense variant. On other transcripts: non-coding transcript variant (1).
Genome position (GRCh38, 1-based): chr20:44,621,048, C>T on the plus strand (G>A on the coding strand, the complement: ADA is on the minus strand). VCF-style: chr20-44621048-C-T. GRCh37 (hg19) VCF-style: chr20-43249689-C-T.
Other names: p.Met315Ile; c.540G>A, p.Met180Ile (NM_001322050.2); c.873G>A, p.Met291Ile (NM_001322051.2); short protein forms M180I, M291I, M315I.
Identifiers: ClinVar variation 1677129 (VCV001677129.3), dbSNP rs889823379, ClinGen allele CA315433921.

ClinVar aggregate classification (germline): Uncertain significance. Review status: criteria provided, multiple submitters, no conflicts (2 of 4 stars). 3 submissions from 3 submitters: Uncertain significance (3). Last evaluated 2024-12-30.

Conditions:
Severe combined immunodeficiency, autosomal recessive, T cell-negative, B cell-negative, NK cell-negative, due to adenosine deaminase deficiency. Also called: ADA deficiency; Adenosine deaminase deficient severe combined immunodeficiency; Severe combined immunodeficiency due to ADA deficiency; Adenosine Deaminase Deficiency; SCID DUE TO ADA DEFICIENCY; SCID DUE TO ADA DEFICIENCY, EARLY-ONSET. Identifiers: Orphanet 277, MedGen C0392607, MONDO:0007064, OMIM 102700.

Allele frequency attached by ClinVar (database versions not stated): gnomAD exomes below 0.00001; gnomAD 0.00003; TOPMed 0.00007.
gnomAD v4.1: 11 of 1,613,998 alleles (0.00068%); highest among the groups gnomAD compares: African/African-American, 0.015%; no homozygotes.

Submissions (3):

Labcorp Genetics (formerly Invitae), Labcorp
Classification: Uncertain significance for Severe combined immunodeficiency, autosomal recessive, T cell-negative, B cell-negative, NK cell-negative, due to adenosine deaminase deficiency. Last evaluated: 2024-12-30. Review status: criteria provided, single submitter. Criteria: Invitae Variant Classification Sherloc (09022015). Collection method: clinical testing. Allele origin: germline.
Comment: This sequence change replaces methionine, which is neutral and non-polar, with isoleucine, which is neutral and non-polar, at codon 315 of the ADA protein (p.Met315Ile). This variant is present in population databases (no rsID available, gnomAD 0.008%). This variant has not been reported in the literature in individuals affected with ADA-related conditions. ClinVar contains an entry for this variant (Variation ID: 1677129). Invitae Evidence Modeling of protein sequence and biophysical properties (such as structural, functional, and spatial information, amino acid conservation, physicochemical variation, residue mobility, and thermodynamic stability) indicates that this missense variant is not expected to disrupt ADA protein function with a negative predictive value of 80%. In summary, the available evidence is currently insufficient to determine the role of this variant in disease. Therefore, it has been classified as a Variant of Uncertain Significance.

Mayo Clinic Laboratories, Mayo Clinic
Classification: Uncertain significance. Last evaluated: 2024-04-04. Review status: criteria provided, single submitter. Criteria: ACMG Guidelines, 2015. Collection method: clinical testing. Allele origin: germline. Observed: 1 variant allele.

Women's Health and Genetics/Laboratory Corporation of America, LabCorp
Classification: Uncertain significance. Last evaluated: 2022-03-18. Review status: criteria provided, single submitter. Criteria: LabCorp Variant Classification Summary - May 2015. Collection method: clinical testing. Allele origin: germline.
Comment: Variant summary: ADA c.945G>A (p.Met315Ile) results in a conservative amino acid change in the encoded protein sequence. Three of five in-silico tools predict a benign effect of the variant on protein function. The variant allele was found at a frequency of 4e-06 in 251496 control chromosomes. The available data on variant occurrences in the general population are insufficient to allow any conclusion about variant significance. To our knowledge, no occurrence of c.945G>A in individuals affected with Severe Combined Immunodeficiency and no experimental evidence demonstrating its impact on protein function have been reported. No clinical diagnostic laboratories have submitted clinical-significance assessments for this variant to ClinVar after 2014. Based on the evidence outlined above, the variant was classified as uncertain significance.